The following is an entry in ClinVar:

ClinVar aggregate classification (germline): Uncertain significance. Review status: criteria provided, multiple submitters, no conflicts (2 of 4 stars). 2 submissions from 2 submitters: Uncertain significance (2). Last evaluated 2025-06-09.

Conditions:
Inborn genetic diseases. Identifiers: MedGen C0950123, MeSH D030342.

Allele frequency attached by ClinVar (database versions not stated): gnomAD exomes 0.00001.
gnomAD v4.1: 25 of 1,612,834 alleles (0.0016%); highest among the groups gnomAD compares: Admixed American, 0.0033%; no homozygotes.

Submissions (2):

Labcorp Genetics (formerly Invitae), Labcorp
Classification: Uncertain significance. Last evaluated: 2025-06-09. Review status: criteria provided, single submitter. Criteria: Invitae Variant Classification Sherloc (09022015). Collection method: clinical testing. Allele origin: germline.
Comment: This sequence change replaces glycine, which is neutral and non-polar, with arginine, which is basic and polar, at codon 1778 of the SI protein (p.Gly1778Arg). This variant is present in population databases (rs140894992, gnomAD 0.01%). This variant has not been reported in the literature in individuals affected with SI-related conditions. ClinVar contains an entry for this variant (Variation ID: 1955964). Invitae Evidence Modeling of protein sequence and biophysical properties (such as structural, functional, and spatial information, amino acid conservation, physicochemical variation, residue mobility, and thermodynamic stability) has been performed for this missense variant. However, the output from this modeling did not meet the statistical confidence thresholds required to predict the impact of this variant on SI protein function. In summary, the available evidence is currently insufficient to determine the role of this variant in disease. Therefore, it has been classified as a Variant of Uncertain Significance.

Ambry Genetics
Classification: Uncertain significance for Inborn genetic diseases. Last evaluated: 2025-05-14. Review status: criteria provided, single submitter. Criteria: Ambry Variant Classification Scheme 2023. Collection method: clinical testing. Allele origin: germline.

NM_001041.4(SI):c.5332G>A (p.Gly1778Arg)

Gene: SI (sucrase-isomaltase; minus strand). Cytogenetic location: 3q26.1.
Variant type: single nucleotide variant.
Coding change: c.5332G>A on transcript NM_001041.4 (MANE Select); coding-DNA position 5332, G replaced by A.
Protein change: p.Gly1778Arg; replaces glycine 1778 with arginine.
Molecular consequence: missense variant.
Genome position (GRCh38, 1-based): chr3:164,982,326, C>T on the plus strand (G>A on the coding strand, the complement: SI is on the minus strand). VCF-style: chr3-164982326-C-T. GRCh37 (hg19) VCF-style: chr3-164700114-C-T.
Other names: c.5332G>A (NM_001041.3); short protein forms G1778R.
Identifiers: ClinVar variation 1955964 (VCV001955964.4), dbSNP rs140894992, ClinGen allele CA2689549.